The following is an entry in ClinVar:

ClinVar aggregate classification (germline): Likely benign. Review status: criteria provided, multiple submitters, no conflicts (2 of 4 stars). 3 submissions from 3 submitters: Likely benign (3). Last evaluated 2025-12-19.

Conditions:
Inborn genetic diseases. Identifiers: MedGen C0950123, MeSH D030342.
Landau-Kleffner syndrome (FESD). Also called: EPILEPSY, FOCAL, WITH SPEECH DISORDER AND WITH OR WITHOUT MENTAL RETARDATION; APHASIA, ACQUIRED, WITH EPILEPSY. Identifiers: Orphanet 1945, Orphanet 725, Orphanet 98818, MedGen C0282512, MONDO:0009509, OMIM 245570.

gnomAD v4.1: 65 of 1,602,522 alleles (0.0041%); highest among the groups gnomAD compares: Non-Finnish European, 0.0048%; no homozygotes.

Submissions (3):

Labcorp Genetics (formerly Invitae), Labcorp
Classification: Likely benign for Landau-Kleffner syndrome. Last evaluated: 2025-12-19. Review status: criteria provided, single submitter. Criteria: Invitae Variant Classification Sherloc (09022015). Collection method: clinical testing. Allele origin: germline.

CeGaT Center for Human Genetics Tuebingen
Classification: Likely benign. Last evaluated: 2024-02-01. Review status: criteria provided, single submitter. Criteria: CeGaT Center For Human Genetics Tuebingen Variant Classification Criteria Version 2. Collection method: clinical testing. Allele origin: germline. Affected: yes. Observed: 2 variant alleles.
Comment: GRIN2A: BP4, BP7

Ambry Genetics
Classification: Likely benign for Inborn genetic diseases. Last evaluated: 2017-12-15. Review status: criteria provided, single submitter. Criteria: Ambry Variant Classification Scheme 2023. Collection method: clinical testing. Allele origin: germline.

NM_001134407.3(GRIN2A):c.420G>T (p.Pro140=)

Gene: GRIN2A (glutamate ionotropic receptor NMDA type subunit 2A; minus strand). Cytogenetic location: 16p13.2.
Variant type: single nucleotide variant.
Coding change: c.420G>T on transcript NM_001134407.3 (MANE Select); coding-DNA position 420, G replaced by T.
Protein change: p.Pro140=; no amino-acid change (proline 140 retained).
Molecular consequence: synonymous variant.
Genome position (GRCh38, 1-based): chr16:9,938,546, C>A on the plus strand (G>T on the coding strand, the complement: GRIN2A is on the minus strand). VCF-style: chr16-9938546-C-A. GRCh37 (hg19) VCF-style: chr16-10032403-C-A.
Other names: c.420G>T, p.Pro140= (NM_000833.5, NM_001134408.2).
Identifiers: ClinVar variation 1711401 (VCV001711401.35), dbSNP rs367543126, ClinGen allele CA7896952.